The following is an entry in ClinVar:

NM_000516.7(GNAS):c.971-2A>G

Gene: GNAS (GNAS complex locus; plus strand). Cytogenetic location: 20q13.32.
Variant type: single nucleotide variant.
Coding change: c.971-2A>G on transcript NM_000516.7 (MANE Select); the canonical splice acceptor site of the intron before coding-DNA position 971, A replaced by G.
Molecular consequence: splice acceptor variant.
Genome position (GRCh38, 1-based): chr20:58,910,332, A>G. VCF-style: chr20-58910332-A-G. GRCh37 (hg19) VCF-style: chr20-57485387-A-G.
Other names: c.*877-2A>G (NM_016592.5); c.875-2A>G (NM_001410912.1); c.794-2A>G (NM_001309861.2, NM_001309840.2); c.*832-2A>G (NM_001077490.3); c.2900-2A>G (NM_080425.4); c.2855-2A>G (NM_001410913.1); c.974-2A>G (NM_001077488.5); c.929-2A>G (NM_080426.4); and 1 more.
Identifiers: ClinVar variation 265185 (VCV000265185.2), dbSNP rs886039383, ClinGen allele CA10588703.
Genomic context (GRCh38, chr20:58,910,332, plus strand): 5'-GCTAGCACCCCAGCTCTGCTTGAATTTTAAATTACATTAATATGTATTCCCTTTTTATAT[A>G]GCTACTCCCGAGCCCGGAGAGGACCCACGCGTGACCCGGGCCAAGTACTTCATTCGAGAT-3'

ClinVar aggregate classification (germline): Pathogenic (1 of 4 stars; one submission).

Submission:

GeneDx
Classification: Pathogenic. Last evaluated: 2016-01-27. Review status: criteria provided, single submitter. Criteria: GeneDx Variant Classification (06012015). Collection method: clinical testing. Allele origin: germline. Affected: yes.
Comment: The c.971-2A>G variant in the GNAS gene has not been reported previously as a pathogenic or as a benign substitution, to our knowledge. This variant destroys the canonical splice acceptor site in intron 11. It is predicted to cause abnormal gene splicing, either leading to an abnormal message that is subject to nonsense-mediated mRNA decay, or to an abnormal protein product if the message is used for protein translation. The c.971-2A>G variant was not observed in approximately 6,500 individuals of European and African American ancestry in the NHLBI Exome Sequencing Project, indicating it is not a common benign variant in these populations. While the c.971-2A>G variant has not previously been described, another pathogenic variant in the canonical splice acceptor site of intron 11 (c.971-1G>A) has been reported in the Human Gene Mutation Database in association with pseudohypoparathyroidism type 1a. We interpret c.971-2A>G as a pathogenic variant.